The following is an entry in ClinVar:

ClinVar aggregate classification (germline): Pathogenic/Likely pathogenic. Review status: criteria provided, multiple submitters, no conflicts (2 of 4 stars). 3 submissions from 3 submitters: Pathogenic (2); Likely pathogenic (1). Last evaluated 2024-03-27.

Conditions:
Kartagener syndrome (CILD1). Also called: CILIARY DYSKINESIA, PRIMARY, 1; CILIARY DYSKINESIA, PRIMARY, 1, WITH OR WITHOUT SITUS INVERSUS; IMMOTILE CILIA SYNDROME; Dextrocardia bronchiectasis and sinusitis; POLYNESIAN BRONCHIECTASIS; SIEWERT SYNDROME. Identifiers: Orphanet 244, MedGen C4551906, MONDO:0009484, OMIM 244400.
DNAI1-related disorders.
Primary ciliary dyskinesia. Also called: Ciliary dyskinesia. Identifiers: Orphanet 244, MedGen C0008780, MONDO:0016575, HP:0012265.

Allele frequency attached by ClinVar (database versions not stated): gnomAD exomes below 0.00001; gnomAD 0.00001.
gnomAD v4.1: 2 of 1,614,068 alleles (0.00012%); highest among the groups gnomAD compares: Non-Finnish European, 0.00017%; no homozygotes.

Submissions (3):

Fulgent Genetics
Classification: Likely pathogenic for Kartagener syndrome. Last evaluated: 2024-03-27. Review status: criteria provided, single submitter. Criteria: ACMG Guidelines, 2015. Collection method: clinical testing. Allele origin: germline.

Labcorp Genetics (formerly Invitae), Labcorp
Classification: Pathogenic for Primary ciliary dyskinesia. Last evaluated: 2023-12-19. Review status: criteria provided, single submitter. Criteria: Invitae Variant Classification Sherloc (09022015). Collection method: clinical testing. Allele origin: germline.
Comment: This sequence change creates a premature translational stop signal (p.Trp548*) in the DNAI1 gene. It is expected to result in an absent or disrupted protein product. Loss-of-function variants in DNAI1 are known to be pathogenic (PMID: 16858015, 29363216). This variant is present in population databases (no rsID available, gnomAD 0.007%). This premature translational stop signal has been observed in individual(s) with primary ciliary dyskinesia (PMID: 16858015, 21270641). For these reasons, this variant has been classified as Pathogenic.

Blueprint Genetics
Classification: Pathogenic for DNAI1-related disorders. Last evaluated: 2019-01-18. Review status: criteria provided, single submitter. Criteria: ACMG Guidelines, 2015. Collection method: clinical testing. Allele origin: germline. Affected: yes. Observed: 2 variant alleles.

Literature cited by the submitters: PubMed 16858015 (cited by Labcorp Genetics (formerly Invitae), Labcorp); PubMed 29363216 (cited by Labcorp Genetics (formerly Invitae), Labcorp); PubMed 21270641 (cited by Labcorp Genetics (formerly Invitae), Labcorp).

NM_012144.4(DNAI1):c.1643G>A (p.Trp548Ter)

Gene: DNAI1 (dynein axonemal intermediate chain 1; plus strand). Cytogenetic location: 9p13.3.
Variant type: single nucleotide variant.
Coding change: c.1643G>A on transcript NM_012144.4 (MANE Select); coding-DNA position 1643, G replaced by A.
Protein change: p.Trp548Ter; replaces tryptophan 548 with a stop codon.
Molecular consequence: nonsense.
Genome position (GRCh38, 1-based): chr9:34,514,467, G>A. VCF-style: chr9-34514467-G-A. GRCh37 (hg19) VCF-style: chr9-34514465-G-A.
Other names: c.1655G>A, p.Trp552Ter (NM_001281428.2); short protein forms W548*, W552*.
Identifiers: ClinVar variation 2726179 (VCV002726179.5), dbSNP rs1024654594, ClinGen allele CA192651619.